The following is an entry in ClinVar:

ClinVar aggregate classification (germline): Pathogenic (3 of 4 stars; one submission).

Conditions:
Breast-ovarian cancer, familial, susceptibility to, 1 (BROVCA1). Also called: BRCA1 Hereditary Breast and Ovarian Cancer; OVARIAN CANCER, SUSCEPTIBILITY TO. Identifiers: Orphanet 145, MedGen C2676676, MONDO:0011450, OMIM 604370. Disease mechanism: loss of function.

Submission:

Evidence-based Network for the Interpretation of Germline Mutant Alleles (ENIGMA)
Classification: Pathogenic for Breast-ovarian cancer, familial, susceptibility to, 1. Last evaluated: 2017-12-15. Review status: reviewed by expert panel. Criteria: ENIGMA BRCA1/2 Classification Criteria (2017-06-29). Collection method: curation. Allele origin: germline. Study: ENIGMA.
Comment: Variant allele predicted to encode a truncated non-functional protein.

NM_007294.4(BRCA1):c.2162_2163insG (p.Phe721fs)

Gene: BRCA1 (BRCA1 DNA repair associated; minus strand). Cytogenetic location: 17q21.31.
Variant type: Insertion.
Coding change: c.2162_2163insG on transcript NM_007294.4 (MANE Select); coding-DNA positions 2162 to 2163, G inserted.
Protein change: p.Phe721fs; shifts the reading frame from phenylalanine 721.
Molecular consequence: frameshift variant. On other transcripts: intron variant (137).
Genome position: GRCh38 VCF-style: chr17-43093368-A-AC. GRCh37 (hg19) VCF-style: chr17-41245385-A-AC.
Other names: c.1949_1950insG, p.Phe650fs (NM_001407571.1, NM_001407899.1, NM_001407853.1 and 9 more transcripts); c.2162_2163insG, p.Phe721fs (NM_001407581.1, NM_001407582.1, NM_001407583.1 and 30 more transcripts); c.2159_2160insG, p.Phe720fs (NM_001407587.1, NM_001407590.1, NM_001407591.1 and 22 more transcripts); c.2084_2085insG, p.Phe695fs (NM_001407656.1, NM_001407657.1, NM_001407658.1 and 4 more transcripts); c.2081_2082insG, p.Phe694fs (NM_001407659.1, NM_001407660.1, NM_001407661.1 and 1 more transcripts); c.2039_2040insG, p.Phe680fs (NM_001407674.1, NM_001407675.1, NM_001407676.1 and 19 more transcripts); c.2021_2022insG, p.Phe674fs (NM_001407692.1, NM_001407694.1, NM_001407695.1 and 29 more transcripts); c.2018_2019insG, p.Phe673fs (NM_001407740.1, NM_001407741.1, NM_001407742.1 and 20 more transcripts); and 41 more; short protein forms F721fs, F674fs, F553fs, F633fs, F653fs, F654fs, F679fs, F694fs.
Identifiers: ClinVar variation 548223 (VCV000548223.2), dbSNP rs1555590332, ClinGen allele CA658824016.